The following is an entry in ClinVar:

ClinVar aggregate classification (germline): Uncertain significance (1 of 4 stars; one submission).

Allele frequency attached by ClinVar (database versions not stated): ExAC 0.00001; gnomAD exomes 0.00002; TOPMed 0.00002; gnomAD 0.00003.
gnomAD v4.1: 29 of 1,614,062 alleles (0.0018%); highest among the groups gnomAD compares: Non-Finnish European, 0.0022%; no homozygotes.

Submission:

Labcorp Genetics (formerly Invitae), Labcorp
Classification: Uncertain significance. Last evaluated: 2022-05-09. Review status: criteria provided, single submitter. Criteria: Invitae Variant Classification Sherloc (09022015). Collection method: clinical testing. Allele origin: germline.
Comment: This variant has not been reported in the literature in individuals affected with FAT2-related conditions. This variant is present in population databases (rs762315656, gnomAD 0.003%). This sequence change replaces alanine, which is neutral and non-polar, with threonine, which is neutral and polar, at codon 3044 of the FAT2 protein (p.Ala3044Thr). In summary, the available evidence is currently insufficient to determine the role of this variant in disease. Therefore, it has been classified as a Variant of Uncertain Significance. Algorithms developed to predict the effect of missense changes on protein structure and function (SIFT, PolyPhen-2, Align-GVGD) all suggest that this variant is likely to be disruptive.

NM_001447.3(FAT2):c.9130G>A (p.Ala3044Thr)

Genes: FAT2 (FAT atypical cadherin 2; minus strand), SLC36A1 (solute carrier family 36 member 1; plus strand). Cytogenetic location: 5q33.1.
Variant type: single nucleotide variant.
Coding change: c.9130G>A on transcript NM_001447.3 (MANE Select); coding-DNA position 9130, G replaced by A.
Protein change: p.Ala3044Thr; replaces alanine 3044 with threonine.
Molecular consequence: missense variant.
Genome position (GRCh38, 1-based): chr5:151,537,856, C>T on the plus strand (G>A on the coding strand, the complement: FAT2 is on the minus strand). VCF-style: chr5-151537856-C-T. GRCh37 (hg19) VCF-style: chr5-150917417-C-T.
Other names: short protein forms A3044T.
Identifiers: ClinVar variation 1938707 (VCV001938707.5), dbSNP rs762315656, ClinGen allele CA3520652.